The following is an entry in ClinVar:

NM_022916.6(VPS33A):c.484G>A (p.Glu162Lys)

Gene: VPS33A (VPS33A core subunit of CORVET and HOPS complexes; minus strand). Cytogenetic location: 12q24.31.
Variant type: single nucleotide variant.
Coding change: c.484G>A on transcript NM_022916.6 (MANE Select); coding-DNA position 484, G replaced by A.
Protein change: p.Glu162Lys; replaces glutamic acid 162 with lysine.
Molecular consequence: missense variant.
Genome position (GRCh38, 1-based): chr12:122,251,099, C>T on the plus strand (G>A on the coding strand, the complement: VPS33A is on the minus strand). VCF-style: chr12-122251099-C-T. GRCh37 (hg19) VCF-style: chr12-122735646-C-T.
Other names: c.451G>A, p.Glu151Lys (NM_001351018.2); c.436G>A, p.Glu146Lys (NM_001351019.2); c.484G>A, p.Glu162Lys (NM_001351020.2); short protein forms E162K, E151K, E146K.
Identifiers: ClinVar variation 2100185 (VCV002100185.4), dbSNP rs2547170536, ClinGen allele CA387018950.

ClinVar aggregate classification (germline): Uncertain significance (1 of 4 stars; one submission).

Allele frequency attached by ClinVar (database versions not stated): gnomAD exomes below 0.00001.
gnomAD v4.1: 1 of 1,612,106 alleles (0.000062%); highest among the groups gnomAD compares: South Asian, 0.0011%; no homozygotes.

Submission:

Labcorp Genetics (formerly Invitae), Labcorp
Classification: Uncertain significance. Last evaluated: 2024-12-16. Review status: criteria provided, single submitter. Criteria: Invitae Variant Classification Sherloc (09022015). Collection method: clinical testing. Allele origin: germline.
Comment: This sequence change replaces glutamic acid, which is acidic and polar, with lysine, which is basic and polar, at codon 162 of the VPS33A protein (p.Glu162Lys). This variant is not present in population databases (gnomAD no frequency). This variant has not been reported in the literature in individuals affected with VPS33A-related conditions. ClinVar contains an entry for this variant (Variation ID: 2100185). An algorithm developed to predict the effect of missense changes on protein structure and function (PolyPhen-2) suggests that this variant is likely to be disruptive. In summary, the available evidence is currently insufficient to determine the role of this variant in disease. Therefore, it has been classified as a Variant of Uncertain Significance.